The following is an entry in ClinVar:

ClinVar aggregate classification (germline): Pathogenic (1 of 4 stars; one submission).

Allele frequency attached by ClinVar (database versions not stated): TOPMed below 0.00001.

Submission:

Labcorp Genetics (formerly Invitae), Labcorp
Classification: Pathogenic. Last evaluated: 2024-01-28. Review status: criteria provided, single submitter. Criteria: Invitae Variant Classification Sherloc (09022015). Collection method: clinical testing. Allele origin: germline.
Comment: This sequence change creates a premature translational stop signal (p.Trp423*) in the OTOA gene. It is expected to result in an absent or disrupted protein product. Loss-of-function variants in OTOA are known to be pathogenic (PMID: 11972037). This variant is present in population databases (no rsID available, gnomAD 0.01%). This variant has not been reported in the literature in individuals affected with OTOA-related conditions. For these reasons, this variant has been classified as Pathogenic.

Literature cited by the submitters: PubMed 11972037.

NM_144672.4(OTOA):c.1269G>A (p.Trp423Ter)

Gene: OTOA (otoancorin). Cytogenetic location: 16p12.2.
Variant type: single nucleotide variant.
Coding change: c.1269G>A on transcript NM_144672.4 (MANE Select); coding-DNA position 1269, G replaced by A.
Protein change: p.Trp423Ter; replaces tryptophan 423 with a stop codon.
Molecular consequence: nonsense.
Genome position (GRCh38, 1-based): chr16:21,710,052, G>A. VCF-style: chr16-21710052-G-A. GRCh37 (hg19) VCF-style: chr16-21721373-G-A.
Other names: c.1032G>A, p.Trp344Ter (NM_001161683.2); c.297G>A, p.Trp99Ter (NM_170664.3); short protein forms W423*, W99*, W344*.
Identifiers: ClinVar variation 2713897 (VCV002713897.3), dbSNP rs1211629219, ClinGen allele CA395062655.
Genomic context (GRCh38, chr16:21,710,052, plus strand): 5'-ATCCCTCTCCCCCGAGGCTGTGCACGGAGCCATCTCCACCCTCAACCAGGTCTCAGGTTG[G>A]GCCAAGAGCCAGGTCATCATCTTGTCTGCCAAATACTTGGCCCATGAGAAGGTCAGCTGG-3'